The following is an entry in ClinVar:

ClinVar aggregate classification (germline): Uncertain significance. Review status: criteria provided, multiple submitters, no conflicts (2 of 4 stars). 3 submissions from 3 submitters: Uncertain significance (3). Last evaluated 2025-12-12.

Conditions:
Hereditary cancer-predisposing syndrome. Also called: Hereditary neoplastic syndrome; Tumor predisposition; Neoplastic Syndromes, Hereditary; Hereditary Cancer Syndrome. Identifiers: Orphanet 140162, MedGen C0027672, MeSH D009386, MONDO:0015356.
Fanconi anemia (FA). Also called: Fanconi's anemia. Identifiers: Orphanet 84, MedGen C0015625, MeSH D005199, MONDO:0019391.

gnomAD v4.1: 2 of 1,613,370 alleles (0.00012%); highest among the groups gnomAD compares: South Asian, 0.0022%; no homozygotes.

Submissions (3):

GeneDx
Classification: Uncertain significance. Last evaluated: 2025-12-12. Review status: criteria provided, single submitter. Criteria: GeneDx Variant Classification Process June 2021. Collection method: clinical testing. Allele origin: germline. Affected: yes.
Comment: Not observed at significant frequency in large population cohorts (gnomAD); In silico analysis supports that this missense variant has a deleterious effect on protein structure/function; In silico analysis supports a deleterious effect on splicing; Has not been previously published as pathogenic or benign to our knowledge; This variant is associated with the following publications: (PMID: 16429406)

Labcorp Genetics (formerly Invitae), Labcorp
Classification: Uncertain significance for Fanconi anemia. Last evaluated: 2024-06-13. Review status: criteria provided, single submitter. Criteria: Invitae Variant Classification Sherloc (09022015). Collection method: clinical testing. Allele origin: germline.
Comment: This sequence change replaces glutamine, which is neutral and polar, with arginine, which is basic and polar, at codon 332 of the FANCC protein (p.Gln332Arg). This variant is not present in population databases (gnomAD no frequency). This variant has not been reported in the literature in individuals affected with FANCC-related conditions. ClinVar contains an entry for this variant (Variation ID: 419529). An algorithm developed to predict the effect of missense changes on protein structure and function (PolyPhen-2) suggests that this variant is likely to be disruptive. Algorithms developed to predict the effect of sequence changes on RNA splicing suggest that this variant may disrupt the consensus splice site. In summary, the available evidence is currently insufficient to determine the role of this variant in disease. Therefore, it has been classified as a Variant of Uncertain Significance.

Ambry Genetics
Classification: Uncertain significance for Hereditary cancer-predisposing syndrome. Last evaluated: 2020-08-10. Review status: criteria provided, single submitter. Criteria: Ambry Variant Classification Scheme 2023. Collection method: clinical testing. Allele origin: germline.
Comment: The p.Q332R variant (also known as c.995A>G), located in coding exon 9 of the FANCC gene, results from an A to G substitution at nucleotide position 995. The glutamine at codon 332 is replaced by arginine, an amino acid with highly similar properties. This amino acid position is highly conserved in available vertebrate species. In addition, this alteration is predicted to be tolerated by in silico analysis. Since supporting evidence is limited at this time, the clinical significance of this alteration remains unclear.

NM_000136.3(FANCC):c.995A>G (p.Gln332Arg)

Genes: AOPEP (aminopeptidase O (putative); plus strand), FANCC (FA complementation group C; minus strand). Cytogenetic location: 9q22.32.
Variant type: single nucleotide variant.
Coding change: c.995A>G on transcript NM_000136.3 (MANE Select); coding-DNA position 995, A replaced by G.
Protein change: p.Gln332Arg; replaces glutamine 332 with arginine.
Molecular consequence: missense variant.
Genome position (GRCh38, 1-based): chr9:95,125,087, T>C on the plus strand (A>G on the coding strand, the complement: FANCC is on the minus strand). VCF-style: chr9-95125087-T-C. GRCh37 (hg19) VCF-style: chr9-97887369-T-C.
Other names: c.995A>G, p.Gln332Arg (NM_001243743.2, NM_001243744.2); short protein forms Q332R.
Identifiers: ClinVar variation 419529 (VCV000419529.9), dbSNP rs781746980, ClinGen allele CA16618882.